The following is an entry in ClinVar:

ClinVar aggregate classification (germline): Uncertain significance (1 of 4 stars; one submission).

Submission:

ISCA Site 6
Classification: Uncertain significance. Last evaluated: 2011-08-12. Review status: criteria provided, single submitter. Criteria: Kaminsky et al. (Genet Med. 2011). Collection method: clinical testing. Allele origin: maternal. Affected: yes. Observed: 1 variant allele.
Comment: Copy number variation identified through the course of routine clinical cytogenomic testing in postnatal populations. Clinical assertions have been curated as described in Kaminsky et al. 2011.

GRCh38/hg38 Xp22.31(chrX:8628853-8737453)x2

Gene: ANOS1 (anosmin 1; minus strand). Cytogenetic location: Xp22.31.
Variant type: copy number gain.
Change: copy number 2 of chrX:8,628,853-8,737,453 (108.6 kb, GRCh38 coordinates, 1-based), cytogenetic band Xp22.31.
Identifiers: ClinVar variation 58566 (VCV000058566.2).